The following is an entry in ClinVar:

NM_001543.5(NDST1):c.2371A>G (p.Met791Val)

Gene: NDST1 (N-deacetylase and N-sulfotransferase 1; plus strand). Cytogenetic location: 5q33.1.
Variant type: single nucleotide variant.
Coding change: c.2371A>G on transcript NM_001543.5 (MANE Select); coding-DNA position 2371, A replaced by G.
Protein change: p.Met791Val; replaces methionine 791 with valine.
Molecular consequence: missense variant.
Genome position (GRCh38, 1-based): chr5:150,549,732, A>G. VCF-style: chr5-150549732-A-G. GRCh37 (hg19) VCF-style: chr5-149929294-A-G.
Other names: c.2200A>G, p.Met734Val (NM_001301063.2); short protein forms M734V, M791V.
Identifiers: ClinVar variation 2173890 (VCV002173890.4), dbSNP rs771780923, ClinGen allele CA3512950.

ClinVar aggregate classification (germline): Uncertain significance (1 of 4 stars; one submission).

Allele frequency attached by ClinVar (database versions not stated): ExAC 0.00003; gnomAD 0.00003; TOPMed 0.00012.
gnomAD v4.1: 32 of 1,614,152 alleles (0.002%); highest among the groups gnomAD compares: Admixed American, 0.01%; no homozygotes.

Submission:

Labcorp Genetics (formerly Invitae), Labcorp
Classification: Uncertain significance. Last evaluated: 2023-12-21. Review status: criteria provided, single submitter. Criteria: Invitae Variant Classification Sherloc (09022015). Collection method: clinical testing. Allele origin: germline.
Comment: This sequence change replaces methionine, which is neutral and non-polar, with valine, which is neutral and non-polar, at codon 791 of the NDST1 protein (p.Met791Val). This variant is present in population databases (rs771780923, gnomAD 0.01%). This variant has not been reported in the literature in individuals affected with NDST1-related conditions. ClinVar contains an entry for this variant (Variation ID: 2173890). Advanced modeling of protein sequence and biophysical properties (such as structural, functional, and spatial information, amino acid conservation, physicochemical variation, residue mobility, and thermodynamic stability) performed at Invitae indicates that this missense variant is not expected to disrupt NDST1 protein function with a negative predictive value of 80%. In summary, the available evidence is currently insufficient to determine the role of this variant in disease. Therefore, it has been classified as a Variant of Uncertain Significance.